The following is an entry in ClinVar:

NM_001367624.2(ZNF469):c.11048G>A (p.Arg3683Lys)

Gene: ZNF469 (zinc finger protein 469; plus strand). Cytogenetic location: 16q24.2.
Variant type: single nucleotide variant.
Coding change: c.11048G>A on transcript NM_001367624.2 (MANE Select); coding-DNA position 11048, G replaced by A.
Protein change: p.Arg3683Lys; replaces arginine 3683 with lysine.
Molecular consequence: missense variant.
Genome position (GRCh38, 1-based): chr16:88,438,518, G>A. VCF-style: chr16-88438518-G-A. GRCh37 (hg19) VCF-style: chr16-88504926-G-A.
Other names: NM_001127464.1:c.10964G>A; short protein forms R3683K.
Identifiers: ClinVar variation 2564265 (VCV002564265.2), dbSNP rs1906767988, ClinGen allele CA397128865.
Genomic context (GRCh38, chr16:88,438,518, plus strand): 5'-GCGCCTTCCACAAGGGCAGCGCCACCAAGCCTGCGGGCTGCCAGAGCTCATCAAAGGACA[G>A]GTCGGCAGCATCCACCCCCAGCAAAGCACTCAAGTTCCCAGTGCACCCAAGGAAGGCGGT-3'
Protein context (NP_001354553.1, residues 3673-3693): PAGCQSSSKD[Arg3683Lys]SAASTPSKAL

ClinVar aggregate classification (germline): Uncertain significance (1 of 4 stars; one submission).

Conditions:
Cardiovascular phenotype. Identifiers: MedGen CN230736.

Allele frequency attached by ClinVar (database versions not stated): gnomAD 0.00001; TOPMed 0.00001.
gnomAD v4.1: 1 of 1,550,030 alleles (0.000065%); highest among the groups gnomAD compares: African/African-American, 0.0014%; no homozygotes.

Submission:

Ambry Genetics
Classification: Uncertain significance for Cardiovascular phenotype. Last evaluated: 2023-05-26. Review status: criteria provided, single submitter. Criteria: Ambry Variant Classification Scheme 2023. Collection method: clinical testing. Allele origin: germline.
Comment: The p.R3655K variant (also known as c.10964G>A), located in coding exon 2 of the ZNF469 gene, results from a G to A substitution at nucleotide position 10964. The arginine at codon 3655 is replaced by lysine, an amino acid with highly similar properties. This amino acid position is conserved. In addition, this alteration is predicted to be tolerated by in silico analysis. Since supporting evidence is limited at this time, the clinical significance of this alteration remains unclear.